The following is an entry in ClinVar:

ClinVar aggregate classification (germline): Likely benign (0 of 4 stars; one submission).

Conditions:
KCNC1-related disorder. Also called: KCNC1-related condition; KCNC1-Related Disorders. Identifiers: MedGen CN381541.

Allele frequency attached by ClinVar (database versions not stated): gnomAD 0.00001; TOPMed 0.00001.
gnomAD v4.1: 2 of 1,612,992 alleles (0.00012%); highest among the groups gnomAD compares: Non-Finnish European, 0.000085%; no homozygotes.

Submission:

PreventionGenetics, part of Exact Sciences
Classification: Likely benign for KCNC1-related condition. Last evaluated: 2019-07-12. Review status: no assertion criteria provided. Collection method: clinical testing. Allele origin: germline.
Comment: This variant is classified as likely benign based on ACMG/AMP sequence variant interpretation guidelines (Richards et al. 2015 PMID: 25741868, with internal and published modifications).

NM_001112741.2(KCNC1):c.333G>A (p.Gln111=)

Gene: KCNC1 (potassium voltage-gated channel subfamily C member 1; plus strand). Cytogenetic location: 11p15.1.
Variant type: single nucleotide variant.
Coding change: c.333G>A on transcript NM_001112741.2 (MANE Select); coding-DNA position 333, G replaced by A.
Protein change: p.Gln111=; no amino-acid change (glutamine 111 retained).
Molecular consequence: synonymous variant.
Genome position (GRCh38, 1-based): chr11:17,736,335, G>A. VCF-style: chr11-17736335-G-A. GRCh37 (hg19) VCF-style: chr11-17757882-G-A.
Other names: c.333G>A, p.Gln111= (NM_004976.4).
Identifiers: ClinVar variation 3050049 (VCV003050049.2), dbSNP rs1321370547, ClinGen allele CA473519484.